The following is an entry in ClinVar:

ClinVar aggregate classification (germline): Uncertain significance. Review status: criteria provided, multiple submitters, no conflicts (2 of 4 stars). 2 submissions from 2 submitters: Uncertain significance (2). Last evaluated 2025-09-25.

Allele frequency attached by ClinVar (database versions not stated): ExAC 0.00006; gnomAD 0.00007 and 0.00009; gnomAD exomes 0.00011; ESP Exome Variant Server 0.00015; TOPMed 0.00015.
gnomAD v4.1: 210 of 1,613,832 alleles (0.013%); highest among the groups gnomAD compares: Admixed American, 0.02%; no homozygotes.

Submissions (2):

Labcorp Genetics (formerly Invitae), Labcorp
Classification: Uncertain significance. Last evaluated: 2025-09-25. Review status: criteria provided, single submitter. Criteria: Invitae Variant Classification Sherloc (09022015). Collection method: clinical testing. Allele origin: germline.
Comment: This sequence change replaces threonine, which is neutral and polar, with asparagine, which is neutral and polar, at codon 265 of the CRAT protein (p.Thr265Asn). This variant is present in population databases (rs367866636, gnomAD 0.03%). This variant has not been reported in the literature in individuals affected with CRAT-related conditions. ClinVar contains an entry for this variant (Variation ID: 1487405). Invitae Evidence Modeling of protein sequence and biophysical properties (such as structural, functional, and spatial information, amino acid conservation, physicochemical variation, residue mobility, and thermodynamic stability) indicates that this missense variant is not expected to disrupt CRAT protein function with a negative predictive value of 80%. In summary, the available evidence is currently insufficient to determine the role of this variant in disease. Therefore, it has been classified as a Variant of Uncertain Significance.

Ambry Genetics
Classification: Uncertain significance. Last evaluated: 2025-06-19. Review status: criteria provided, single submitter. Criteria: Ambry Variant Classification Scheme 2023. Collection method: clinical testing. Allele origin: germline.

NM_000755.5(CRAT):c.794C>A (p.Thr265Asn)

Gene: CRAT (carnitine O-acetyltransferase; minus strand). Cytogenetic location: 9q34.11.
Variant type: single nucleotide variant.
Coding change: c.794C>A on transcript NM_000755.5 (MANE Select); coding-DNA position 794, C replaced by A.
Protein change: p.Thr265Asn; replaces threonine 265 with asparagine.
Molecular consequence: missense variant.
Genome position (GRCh38, 1-based): chr9:129,101,894, G>T on the plus strand (C>A on the coding strand, the complement: CRAT is on the minus strand). VCF-style: chr9-129101894-G-T. GRCh37 (hg19) VCF-style: chr9-131864173-G-T.
Other names: c.731C>A, p.Thr244Asn (NM_001257363.3, NM_001346548.2, NM_004003.4); c.797C>A, p.Thr266Asn (NM_001346546.2); c.794C>A, p.Thr265Asn (NM_001346547.2); c.674C>A, p.Thr225Asn (NM_001346549.2); c.794C>A (NM_000755.3); short protein forms T244N, T225N, T265N, T266N.
Identifiers: ClinVar variation 1487405 (VCV001487405.10), dbSNP rs367866636, ClinGen allele CA5275636.